The following is an entry in ClinVar:

ClinVar aggregate classification (germline): Uncertain significance. Review status: criteria provided, multiple submitters, no conflicts (2 of 4 stars). 3 submissions from 3 submitters: Uncertain significance (3). Last evaluated 2026-02-11.

Conditions:
Hereditary cancer-predisposing syndrome. Also called: Hereditary Cancer Syndrome; Neoplastic Syndromes, Hereditary; Tumor predisposition; Hereditary neoplastic syndrome. Identifiers: Orphanet 140162, MedGen C0027672, MeSH D009386, MONDO:0015356.
Ataxia-telangiectasia syndrome (AT). Also called: LOUIS-BAR SYNDROME; Ataxia-telangiectasia, complementation group D; AT, COMPLEMENTATION GROUP C; ATAXIA-TELANGIECTASIA, COMPLEMENTATION GROUP A; ATAXIA-TELANGIECTASIA, FRESNO VARIANT; Ataxia-telangiectasia, complementation group E. Identifiers: Orphanet 100, MedGen C0004135, MONDO:0008840, OMIM 208900.

Allele frequency attached by ClinVar (database versions not stated): gnomAD exomes below 0.00001.
gnomAD v4.1: 1 of 1,612,532 alleles (0.000062%); highest among the groups gnomAD compares: Non-Finnish European, 0.000085%; no homozygotes.

Submissions (3):

Ambry Genetics
Classification: Uncertain significance for Hereditary cancer-predisposing syndrome. Last evaluated: 2026-02-11. Review status: criteria provided, single submitter. Criteria: Ambry Variant Classification Scheme 2023. Collection method: clinical testing. Allele origin: germline.
Comment: The p.K1828Q variant (also known as c.5482A>C), located in coding exon 35 of the ATM gene, results from an A to C substitution at nucleotide position 5482. The lysine at codon 1828 is replaced by glutamine, an amino acid with similar properties. This amino acid position is highly conserved in available vertebrate species. In an assay testing ATM function, this variant showed a functionally normal result (Lee KS et al. Cell 2025 Sep;188(18):5081-5099.e27). In addition, the in silico prediction for this alteration is inconclusive. Since supporting evidence is limited at this time, the clinical significance of this alteration remains unclear.

Labcorp Genetics (formerly Invitae), Labcorp
Classification: Uncertain significance for Ataxia-telangiectasia syndrome. Last evaluated: 2025-06-29. Review status: criteria provided, single submitter. Criteria: Invitae Variant Classification Sherloc (09022015). Collection method: clinical testing. Allele origin: germline.
Comment: This sequence change replaces lysine, which is basic and polar, with glutamine, which is neutral and polar, at codon 1828 of the ATM protein (p.Lys1828Gln). This variant is not present in population databases (gnomAD no frequency). This variant has not been reported in the literature in individuals affected with ATM-related conditions. ClinVar contains an entry for this variant (Variation ID: 1047847). Invitae Evidence Modeling of protein sequence and biophysical properties (such as structural, functional, and spatial information, amino acid conservation, physicochemical variation, residue mobility, and thermodynamic stability) indicates that this missense variant is not expected to disrupt ATM protein function with a negative predictive value of 95%. In summary, the available evidence is currently insufficient to determine the role of this variant in disease. Therefore, it has been classified as a Variant of Uncertain Significance.

GeneDx
Classification: Uncertain significance. Last evaluated: 2020-01-22. Review status: criteria provided, single submitter. Criteria: GeneDx Variant Classification Process June 2021. Collection method: clinical testing. Allele origin: germline. Affected: yes.
Comment: Not observed in large population cohorts (Lek 2016); In silico analysis, which includes protein predictors and evolutionary conservation, supports that this variant does not alter protein structure/function; Has not been previously published as pathogenic or benign to our knowledge

NM_000051.4(ATM):c.5482A>C (p.Lys1828Gln)

Gene: ATM (ATM serine/threonine kinase; plus strand). Cytogenetic location: 11q22.3.
Variant type: single nucleotide variant.
Coding change: c.5482A>C on transcript NM_000051.4 (MANE Select); coding-DNA position 5482, A replaced by C.
Protein change: p.Lys1828Gln; replaces lysine 1828 with glutamine.
Molecular consequence: missense variant.
Genome position (GRCh38, 1-based): chr11:108,303,015, A>C. VCF-style: chr11-108303015-A-C. GRCh37 (hg19) VCF-style: chr11-108173742-A-C.
Other names: c.5482A>C, p.Lys1828Gln (NM_001351834.2); short protein forms K1828Q.
Identifiers: ClinVar variation 1047847 (VCV001047847.13), dbSNP rs2083509111, ClinGen allele CA382544453.
Genomic context (GRCh38, chr11:108,303,015, plus strand): 5'-ACACTGACTTGTGCTTTTTTGGACAGTGGAGGCACAAAATGTGAAATTCTTCAATTATTA[A>C]AGCCAATGTGTGAAGTAAGAAGATTAATTAGTCTGATATAATTCCTTGTTTATGACCTGT-3'
Protein context (NP_000042.3, residues 1818-1838): GTKCEILQLL[Lys1828Gln]PMCEVKTDFC